The following is an entry in ClinVar:

NM_000238.4(KCNH2):c.146_147delinsAA (p.Cys49Ter)

Gene: KCNH2 (potassium voltage-gated channel subfamily H member 2; minus strand). Cytogenetic location: 7q36.1.
Variant type: Indel.
Coding change: c.146_147delinsAA on transcript NM_000238.4 (MANE Select); coding-DNA positions 146 to 147, GC replaced by AA.
Protein change: p.Cys49Ter; replaces cysteine 49 with a stop codon.
Molecular consequence: nonsense.
Genome position (GRCh38, 1-based): chr7:150,974,871-150,974,872, GC replaced by TT on the plus strand (GC replaced by AA on the coding strand, the reverse complement: KCNH2 is on the minus strand). VCF-style: chr7-150974871-GC-TT. GRCh37 (hg19) VCF-style: chr7-150671959-GC-TT.
Other names: c.-32_-31delGCinsAA (NM_001406755.1); c.146_147delGCinsAA, p.Cys49Ter (NM_172056.3); short protein forms C49*.
Identifiers: ClinVar variation 663471 (VCV000663471.10), dbSNP rs1584883377, ClinGen allele CA915945559.

ClinVar aggregate classification (germline): Pathogenic. Review status: criteria provided, multiple submitters, no conflicts (2 of 4 stars). 2 submissions from 2 submitters: Pathogenic (2). Last evaluated 2018-12-26.

Conditions:
Long QT syndrome (LQTS). Identifiers: MedGen C0023976, MeSH D008133, MONDO:0002442. Disease mechanism: loss of function. Inheritance: Various modes of inheritance.
Cardiovascular phenotype. Identifiers: MedGen CN230736.

Submissions (2):

Ambry Genetics
Classification: Pathogenic for Cardiovascular phenotype. Last evaluated: 2018-12-26. Review status: criteria provided, single submitter. Criteria: Ambry Variant Classification Scheme 2023. Collection method: clinical testing. Allele origin: germline.
Comment: The c.146_147delGCinsAA pathogenic mutation, results from the deletion of GC nucleotides and insertion of AA nucleotides at positions 146 to 147, changing the amino acid from a cysteine to a stop codon (p.C49*). This alteration is expected to result in loss of function by premature protein truncation or nonsense-mediated mRNA decay. As such, this alteration is interpreted as a disease-causing mutation.

Labcorp Genetics (formerly Invitae), Labcorp
Classification: Pathogenic for Long QT syndrome. Last evaluated: 2018-09-14. Review status: criteria provided, single submitter. Criteria: Invitae Variant Classification Sherloc (09022015). Collection method: clinical testing. Allele origin: germline.
Comment: For these reasons, this variant has been classified as Pathogenic. Loss-of-function variants in KCNH2 are known to be pathogenic (PMID: 10973849, 19862833). This variant has not been reported in the literature in individuals with KCNH2-related disease. This variant is not present in population databases (ExAC no frequency). This sequence change creates a premature translational stop signal (p.Cys49*) in the KCNH2 gene. It is expected to result in an absent or disrupted protein product.

Literature cited by the submitters: PubMed 10973849 (cited by Labcorp Genetics (formerly Invitae), Labcorp); PubMed 19862833 (cited by Labcorp Genetics (formerly Invitae), Labcorp).